The following is an entry in ClinVar:

NM_001363711.2(DUOX2):c.2441C>T (p.Ser814Phe)

Gene: DUOX2 (dual oxidase 2; minus strand). Cytogenetic location: 15q21.1.
Variant type: single nucleotide variant.
Coding change: c.2441C>T on transcript NM_001363711.2 (MANE Select); coding-DNA position 2441, C replaced by T.
Protein change: p.Ser814Phe; replaces serine 814 with phenylalanine.
Molecular consequence: missense variant.
Genome position (GRCh38, 1-based): chr15:45,104,259, G>A on the plus strand (C>T on the coding strand, the complement: DUOX2 is on the minus strand). VCF-style: chr15-45104259-G-A. GRCh37 (hg19) VCF-style: chr15-45396457-G-A.
Other names: c.2441C>T, p.Ser814Phe (NM_014080.5); short protein forms S814F.
Identifiers: ClinVar variation 4749204 (VCV004749204.1).

ClinVar aggregate classification (germline): Uncertain significance (1 of 4 stars; one submission).

Submission:

Labcorp Genetics (formerly Invitae), Labcorp
Classification: Uncertain significance. Last evaluated: 2025-04-02. Review status: criteria provided, single submitter. Criteria: Invitae Variant Classification Sherloc (09022015). Collection method: clinical testing. Allele origin: germline.
Comment: This sequence change replaces serine, which is neutral and polar, with phenylalanine, which is neutral and non-polar, at codon 814 of the DUOX2 protein (p.Ser814Phe). This variant is present in population databases (rs769848261, gnomAD 0.009%). This variant has not been reported in the literature in individuals affected with DUOX2-related conditions. Invitae Evidence Modeling of protein sequence and biophysical properties (such as structural, functional, and spatial information, amino acid conservation, physicochemical variation, residue mobility, and thermodynamic stability) indicates that this missense variant is not expected to disrupt DUOX2 protein function with a negative predictive value of 80%. In summary, the available evidence is currently insufficient to determine the role of this variant in disease. Therefore, it has been classified as a Variant of Uncertain Significance.